The following is an entry in ClinVar:

NM_032656.4(DHX37):c.2984G>C (p.Gly995Ala)

Gene: DHX37 (DEAH-box helicase 37; minus strand). Cytogenetic location: 12q24.31.
Variant type: single nucleotide variant.
Coding change: c.2984G>C on transcript NM_032656.4 (MANE Select); coding-DNA position 2984, G replaced by C.
Protein change: p.Gly995Ala; replaces glycine 995 with alanine.
Molecular consequence: missense variant.
Genome position (GRCh38, 1-based): chr12:124,950,550, C>G on the plus strand (G>C on the coding strand, the complement: DHX37 is on the minus strand). VCF-style: chr12-124950550-C-G. GRCh37 (hg19) VCF-style: chr12-125435096-C-G.
Other names: short protein forms G995A.
Identifiers: ClinVar variation 1318584 (VCV001318584.2), dbSNP rs1953956855, ClinGen allele CA387218607.

ClinVar aggregate classification (germline): Uncertain significance (1 of 4 stars; one submission).

Allele frequency attached by ClinVar (database versions not stated): TOPMed below 0.00001.

Submission:

GeneDx
Classification: Uncertain significance. Last evaluated: 2021-01-25. Review status: criteria provided, single submitter. Criteria: GeneDx Variant Classification Process June 2021. Collection method: clinical testing. Allele origin: germline. Affected: yes.
Comment: Not observed in large population cohorts (Lek et al., 2016); In silico analysis suggests this variant may impact gene splicing. In the absence of RNA/functional studies, the actual effect of this sequence change is unknown.; In silico analysis supports that this missense variant has a deleterious effect on protein structure/function; Has not been previously published as pathogenic or benign to our knowledge